The following is an entry in ClinVar:

ClinVar aggregate classification (germline): Uncertain significance (1 of 4 stars; one submission).

Allele frequency attached by ClinVar (database versions not stated): gnomAD exomes below 0.00001.
gnomAD v4.1: 1 of 1,614,128 alleles (0.000062%); highest among the groups gnomAD compares: Non-Finnish European, 0.000085%; no homozygotes.

Submission:

Labcorp Genetics (formerly Invitae), Labcorp
Classification: Uncertain significance. Last evaluated: 2022-08-31. Review status: criteria provided, single submitter. Criteria: Invitae Variant Classification Sherloc (09022015). Collection method: clinical testing. Allele origin: germline.
Comment: In summary, the available evidence is currently insufficient to determine the role of this variant in disease. Therefore, it has been classified as a Variant of Uncertain Significance. This sequence change replaces serine, which is neutral and polar, with asparagine, which is neutral and polar, at codon 793 of the MICAL1 protein (p.Ser793Asn). This variant is not present in population databases (gnomAD no frequency). This variant has not been reported in the literature in individuals affected with MICAL1-related conditions. Algorithms developed to predict the effect of missense changes on protein structure and function output the following: SIFT: "Tolerated"; PolyPhen-2: "Benign"; Align-GVGD: "Class C0". The asparagine amino acid residue is found in multiple mammalian species, which suggests that this missense change does not adversely affect protein function.

NM_022765.4(MICAL1):c.2321G>A (p.Ser774Asn)

Gene: MICAL1 (microtubule associated monooxygenase, calponin and LIM domain containing 1; minus strand). Cytogenetic location: 6q21.
Variant type: single nucleotide variant.
Coding change: c.2321G>A on transcript NM_022765.4 (MANE Select); coding-DNA position 2321, G replaced by A.
Protein change: p.Ser774Asn; replaces serine 774 with asparagine.
Molecular consequence: missense variant.
Genome position (GRCh38, 1-based): chr6:109,446,396, C>T on the plus strand (G>A on the coding strand, the complement: MICAL1 is on the minus strand). VCF-style: chr6-109446396-C-T. GRCh37 (hg19) VCF-style: chr6-109767599-C-T.
Other names: c.2063G>A, p.Ser688Asn (NM_001159291.2); c.2378G>A, p.Ser793Asn (NM_001286613.2); short protein forms S774N, S793N, S688N.
Identifiers: ClinVar variation 2078620 (VCV002078620.4), dbSNP rs2482775616, ClinGen allele CA365224095.
Genomic context (GRCh38, chr6:109,446,396, plus strand): 5'-GGACCGGCCCCCTCCTGCGAGGCTGTGGGAGTTGAGAGGCCTGGTGGCATGCTATTCTCA[C>T]TTGGTGTGGGGAGCTCCTGGAAAAGCCACCATGTGGAGTGAGGTCGGGGGGTGAGGCCAC-3'
Protein context (NP_073602.3, residues 764-784): GPESPELPTP[Ser774Asn]ENSMPPGLST